The following is an entry in ClinVar:

ClinVar aggregate classification (germline): Uncertain significance (1 of 4 stars; one submission).

Conditions:
Thrombophilia due to protein C deficiency, autosomal dominant. Also called: PROC DEFICIENCY, AUTOSOMAL DOMINANT; PROTEIN C DEFICIENCY, AUTOSOMAL DOMINANT. Identifiers: Orphanet 745, MedGen C2674321, MONDO:0008316, OMIM 176860. Disease mechanism: loss of function.

Allele frequency attached by ClinVar (database versions not stated): TOPMed 0.00002; gnomAD 0.00004; gnomAD exomes 0.00004 and 0.00005; ExAC 0.00005.
gnomAD v4.1: 78 of 1,613,714 alleles (0.0048%); highest among the groups gnomAD compares: East Asian, 0.022%; no homozygotes.

Submission:

Labcorp Genetics (formerly Invitae), Labcorp
Classification: Uncertain significance for Thrombophilia due to protein C deficiency, autosomal dominant. Last evaluated: 2021-09-01. Review status: criteria provided, single submitter. Criteria: Invitae Variant Classification Sherloc (09022015). Collection method: clinical testing. Allele origin: germline.
Comment: This sequence change replaces histidine with tyrosine at codon 244 of the PROC protein (p.His244Tyr). The histidine residue is highly conserved and there is a moderate physicochemical difference between histidine and tyrosine. This variant is present in population databases (rs759557871, ExAC 0.009%). This missense change has been observed in individual(s) with protein C deficiency (PMID: 8499565, 22627591, 28111891). This variant is also known as p.His202Tyr. Algorithms developed to predict the effect of missense changes on protein structure and function are either unavailable or do not agree on the potential impact of this missense change (SIFT: "Deleterious"; PolyPhen-2: "Probably Damaging"; Align-GVGD: "Class C15"). In summary, the available evidence is currently insufficient to determine the role of this variant in disease. Therefore, it has been classified as a Variant of Uncertain Significance.

Literature cited by the submitters: PubMed 8499565; PubMed 22627591; PubMed 28111891.

NM_000312.4(PROC):c.730C>T (p.His244Tyr)

Gene: PROC (protein C, inactivator of coagulation factors Va and VIIIa; plus strand). Cytogenetic location: 2q14.3.
Variant type: single nucleotide variant.
Coding change: c.730C>T on transcript NM_000312.4 (MANE Select); coding-DNA position 730, C replaced by T.
Protein change: p.His244Tyr; replaces histidine 244 with tyrosine.
Molecular consequence: missense variant.
Genome position (GRCh38, 1-based): chr2:127,427,156, C>T. VCF-style: chr2-127427156-C-T. GRCh37 (hg19) VCF-style: chr2-128184732-C-T.
Other names: c.913C>T, p.His305Tyr (NM_001375602.1); c.895C>T, p.His299Tyr (NM_001375603.1); c.793C>T, p.His265Tyr (NM_001375604.1); c.832C>T, p.His278Tyr (NM_001375605.1); c.898C>T, p.His300Tyr (NM_001375606.1); c.916C>T, p.His306Tyr (NM_001375607.1); c.673C>T, p.His225Tyr (NM_001375608.1); c.706C>T, p.His236Tyr (NM_001375609.1); and 2 more; short protein forms H225Y, H236Y, H242Y, H306Y, H244Y, H305Y, H265Y, H300Y.
Identifiers: ClinVar variation 808799 (VCV000808799.14), dbSNP rs759557871, ClinGen allele CA1859434.